The following is an entry in ClinVar:

ClinVar aggregate classification (germline): Uncertain significance (1 of 4 stars; one submission).

Submission:

GeneDx
Classification: Uncertain significance. Last evaluated: 2025-06-13. Review status: criteria provided, single submitter. Criteria: GeneDx Variant Classification Process June 2021. Collection method: clinical testing. Allele origin: germline.
Comment: Has not been previously published as pathogenic or benign to our knowledge; Not observed at significant frequency in large population cohorts (gnomAD); In silico analysis supports that this missense variant has a deleterious effect on protein structure/function; This variant is associated with the following publications: (PMID: 25240749)

NM_001854.4(COL11A1):c.4385G>A (p.Gly1462Asp)

Gene: COL11A1 (collagen type XI alpha 1 chain; minus strand). Cytogenetic location: 1p21.1.
Variant type: single nucleotide variant.
Coding change: c.4385G>A on transcript NM_001854.4 (MANE Select); coding-DNA position 4385, G replaced by A.
Protein change: p.Gly1462Asp; replaces glycine 1462 with aspartic acid.
Molecular consequence: missense variant. On other transcripts: non-coding transcript variant (1).
Genome position (GRCh38, 1-based): chr1:102,889,534, C>T on the plus strand (G>A on the coding strand, the complement: COL11A1 is on the minus strand). VCF-style: chr1-102889534-C-T. GRCh37 (hg19) VCF-style: chr1-103355090-C-T.
Other names: c.4268G>A, p.Gly1423Asp (NM_001190709.2); c.4421G>A, p.Gly1474Asp (NM_080629.3); c.4037G>A, p.Gly1346Asp (NM_080630.4); short protein forms G1346D, G1423D, G1462D, G1474D.
Identifiers: ClinVar variation 3368008 (VCV003368008.2).